The following is an entry in ClinVar:

NM_000443.4(ABCB4):c.*13G>C

Gene: ABCB4 (ATP binding cassette subfamily B member 4; minus strand). Cytogenetic location: 7q21.12.
Variant type: single nucleotide variant.
Coding change: c.*13G>C on transcript NM_000443.4 (MANE Select); 13 bases downstream of the stop codon, G replaced by C.
Molecular consequence: 3 prime UTR variant.
Genome position (GRCh38, 1-based): chr7:87,402,083, C>G on the plus strand (G>C on the coding strand, the complement: ABCB4 is on the minus strand). VCF-style: chr7-87402083-C-G. GRCh37 (hg19) VCF-style: chr7-87031399-C-G.
Other names: c.*13G>C (NM_018849.3, NM_018850.3).
Identifiers: ClinVar variation 4846320 (VCV004846320.1).

ClinVar aggregate classification (germline): Uncertain significance (1 of 4 stars; one submission).

Conditions:
Familial intrahepatic cholestasis. Identifiers: Orphanet 284385, MedGen CN296401, MONDO:0017290.
Low phospholipid associated cholelithiasis (GBD1). Also called: Gallbladder disease 1; Gallstone cholecystitis. Identifiers: Orphanet 69663, MedGen C2609268, MONDO:0010939, OMIM 600803.

gnomAD v4.1: 5 of 1,613,796 alleles (0.00031%); highest among the groups gnomAD compares: African/African-American, 0.004%; no homozygotes.

Submission:

Genomenon, Inc
Classification: Uncertain significance for Familial intrahepatic cholestasis; Low phospholipid associated cholelithiasis. Last evaluated: 2026-04-14. Review status: criteria provided, single submitter. Criteria: Genomenon Sequence Variant Interpretation Standards - Updated. Collection method: curation. Allele origin: germline. Affected: no.
Comment: ABCB4 c.*13G>C is a variant located in the 3′ untranslated region (3′ UTR). This variant has been reported in the published literature (PMID:30079523). It is absent or not present at a significant frequency in gnomAD. In conclusion, we classify ABCB4 c.*13G>C as a variant of uncertain significance.

Literature cited by the submitters: PubMed 30079523.